The following is an entry in ClinVar:

ClinVar aggregate classification (germline): Uncertain significance (1 of 4 stars; one submission).

Submission:

Mayo Clinic Laboratories, Mayo Clinic
Classification: Uncertain significance. Last evaluated: 2025-11-28. Review status: criteria provided, single submitter. Criteria: ACMG Guidelines, 2015. Collection method: clinical testing. Allele origin: germline. Observed: 1 variant allele.
Comment: PM2_supporting

NM_001128840.3(CACNA1D):c.58C>A (p.His20Asn)

Gene: CACNA1D (calcium voltage-gated channel subunit alpha1 D; plus strand). Cytogenetic location: 3p21.1.
Variant type: single nucleotide variant.
Coding change: c.58C>A on transcript NM_001128840.3 (MANE Select); coding-DNA position 58, C replaced by A.
Protein change: p.His20Asn; replaces histidine 20 with asparagine.
Molecular consequence: missense variant.
Genome position (GRCh38, 1-based): chr3:53,495,224, C>A. VCF-style: chr3-53495224-C-A. GRCh37 (hg19) VCF-style: chr3-53529251-C-A.
Other names: p.His20Asn; c.58C>A, p.His20Asn (NM_000720.4, NM_001128839.3); short protein forms H20N.
Identifiers: ClinVar variation 4540890 (VCV004540890.1).